The following is an entry in ClinVar:

ClinVar aggregate classification (germline): Uncertain significance (1 of 4 stars; one submission).

Conditions:
Neuroblastoma, susceptibility to, 3. Also called: ALK-Related Neuroblastic Tumor Susceptibility. Identifiers: Orphanet 635, MedGen C2751681, MONDO:0013083, OMIM 613014.

gnomAD v4.1: 2 of 1,614,192 alleles (0.00012%); highest among the groups gnomAD compares: Admixed American, 0.0017%; no homozygotes.

Submission:

Labcorp Genetics (formerly Invitae), Labcorp
Classification: Uncertain significance for Neuroblastoma, susceptibility to, 3. Last evaluated: 2024-02-01. Review status: criteria provided, single submitter. Criteria: Invitae Variant Classification Sherloc (09022015). Collection method: clinical testing. Allele origin: germline.
Comment: This sequence change replaces histidine, which is basic and polar, with arginine, which is basic and polar, at codon 1010 of the ALK protein (p.His1010Arg). This variant is present in population databases (no rsID available, gnomAD 0.003%). This variant has not been reported in the literature in individuals affected with ALK-related conditions. An algorithm developed to predict the effect of missense changes on protein structure and function (PolyPhen-2) suggests that this variant is likely to be tolerated. In summary, the available evidence is currently insufficient to determine the role of this variant in disease. Therefore, it has been classified as a Variant of Uncertain Significance.

NM_004304.5(ALK):c.3029A>G (p.His1010Arg)

Gene: ALK (ALK receptor tyrosine kinase; minus strand). Cytogenetic location: 2p23.2.
Variant type: single nucleotide variant.
Coding change: c.3029A>G on transcript NM_004304.5 (MANE Select); coding-DNA position 3029, A replaced by G.
Protein change: p.His1010Arg; replaces histidine 1010 with arginine.
Molecular consequence: missense variant.
Genome position (GRCh38, 1-based): chr2:29,226,960, T>C on the plus strand (A>G on the coding strand, the complement: ALK is on the minus strand). VCF-style: chr2-29226960-T-C. GRCh37 (hg19) VCF-style: chr2-29449826-T-C.
Other names: short protein forms H1010R.
Identifiers: ClinVar variation 3730296 (VCV003730296.2).
Genomic context (GRCh38, chr2:29,226,960, plus strand): 5'-TCCCCTGGCCCTGCCCCCTTACCAATGCAGGAGACGCCATCCTCAGCCAGCACCGTCCCG[T>C]GGTCACAGAAGCAGATGACCTTGTGGCTTTCAGGGTCCATGTGACATTCGTCTACCTCAC-3'
Protein context (NP_004295.2, residues 1000-1020): ESHKVICFCD[His1010Arg]GTVLAEDGVS